The following is an entry in ClinVar:

ClinVar aggregate classification (germline): Uncertain significance (1 of 4 stars; one submission).

Submission:

GeneDx
Classification: Uncertain significance. Last evaluated: 2022-06-21. Review status: criteria provided, single submitter. Criteria: GeneDx Variant Classification Process June 2021. Collection method: clinical testing. Allele origin: germline. Affected: yes.
Comment: Not observed at significant frequency in large population cohorts (gnomAD); In silico analysis supports that this missense variant has a deleterious effect on protein structure/function; Has not been previously published as pathogenic or benign to our knowledge

NM_031407.7(HUWE1):c.3745G>A (p.Ala1249Thr)

Genes: HUWE1 (HECT, UBA and WWE domain containing E3 ubiquitin protein ligase 1; minus strand), LOC126863263 (BRD4-independent group 4 enhancer GRCh37_chrX:53619238-53620437; plus strand). Cytogenetic location: Xp11.22.
Variant type: single nucleotide variant.
Coding change: c.3745G>A on transcript NM_031407.7 (MANE Select); coding-DNA position 3745, G replaced by A.
Protein change: p.Ala1249Thr; replaces alanine 1249 with threonine.
Molecular consequence: missense variant.
Genome position (GRCh38, 1-based): chrX:53,592,625, C>T on the plus strand (G>A on the coding strand, the complement: HUWE1 is on the minus strand). VCF-style: chrX-53592625-C-T. GRCh37 (hg19) VCF-style: chrX-53619585-C-T.
Other names: short protein forms A1249T.
Identifiers: ClinVar variation 1806511 (VCV001806511.1), dbSNP rs2526102755, ClinGen allele CA413177961.
Genomic context (GRCh38, chrX:53,592,625, plus strand): 5'-TTCGTCCACCATATACCTTCAGGGGTTTCCGGTTCCATAAGTTTTTGATGCAAGTAAAGG[C>T]TGCCTGTAAGTAATTTGAAAAGTGTGTGAAAATCATTTTGCTTCAATTCAAAGCTCAGAA-3'
Protein context (NP_113584.3, residues 1239-1259): LRFLVVTQKA[Ala1249Thr]FTCIKNLWNR